The following is an entry in ClinVar:

ClinVar aggregate classification (germline): Likely pathogenic (1 of 4 stars; one submission).

Conditions:
Actin accumulation myopathy (CMYO2A). Also called: Nemaline myopathy type 3; Myopathy, actin, congenital, with excess of thin myofilaments; CONGENITAL MYOPATHY 2A, TYPICAL, AUTOSOMAL DOMINANT; Myopathy, actin, congenital, with cores; Nemaline myopathy 3, with intranuclear rods. Identifiers: Orphanet 98904, MedGen C3711389, MONDO:0008070, OMIM 161800.

Submission:

Baylor Genetics
Classification: Likely pathogenic for Actin accumulation myopathy. Last evaluated: 2019-06-06. Review status: criteria provided, single submitter. Criteria: ACMG Guidelines, 2015. Collection method: clinical testing. Allele origin: unknown. Affected: yes.
Comment: This variant was determined to be likely pathogenic according to ACMG Guidelines, 2015 [PMID:25741868].

NM_001100.4(ACTA1):c.350del (p.Asn117fs)

Gene: ACTA1 (actin alpha 1, skeletal muscle; minus strand). Cytogenetic location: 1q42.13.
Variant type: Deletion.
Coding change: c.350del on transcript NM_001100.4 (MANE Select); coding-DNA position 350, one base deleted (A; older notation c.350delA).
Protein change: p.Asn117fs; shifts the reading frame from asparagine 117.
Molecular consequence: frameshift variant.
Genome position (GRCh38, 1-based): chr1:229,432,660, T deleted on the plus strand (A on the coding strand, the reverse complement: ACTA1 is on the minus strand); the first of 2 consecutive T bases (chr1:229,432,660-229,432,661); deleting either gives the same sequence. VCF-style (leftmost placement, unchanged base first): chr1-229432659-GT-G. GRCh37 (hg19) VCF-style: chr1-229568406-GT-G.
Other names: short protein forms N117fs.
Identifiers: ClinVar variation 1029075 (VCV001029075.1), dbSNP rs1659975666, ClinGen allele CA1226125911.